The following is an entry in ClinVar:

NM_001165963.4(SCN1A):c.4244T>G (p.Phe1415Cys)

Genes: SCN1A (sodium voltage-gated channel alpha subunit 1; minus strand), LOC102724058 (uncharacterized LOC102724058; plus strand). Cytogenetic location: 2q24.3.
Variant type: single nucleotide variant.
Coding change: c.4244T>G on transcript NM_001165963.4 (MANE Select); coding-DNA position 4244, T replaced by G.
Protein change: p.Phe1415Cys; replaces phenylalanine 1415 with cysteine.
Molecular consequence: missense variant. On other transcripts: non-coding transcript variant (1).
Genome position (GRCh38, 1-based): chr2:166,002,512, A>C on the plus strand (T>G on the coding strand, the complement: SCN1A is on the minus strand). VCF-style: chr2-166002512-A-C. GRCh37 (hg19) VCF-style: chr2-166859022-A-C.
Other names: c.4160T>G, p.Phe1387Cys (NM_001165964.3, NM_001353957.2, NM_001353958.2); c.4244T>G, p.Phe1415Cys (NM_001202435.3, NM_001353948.2); c.4211T>G, p.Phe1404Cys (NM_001353949.2, NM_001353950.2, NM_001353951.2 and 2 more transcripts); c.4208T>G, p.Phe1403Cys (NM_001353954.2, NM_001353955.2); c.4157T>G, p.Phe1386Cys (NM_001353960.2); c.1802T>G, p.Phe601Cys (NM_001353961.2); short protein forms F1386C, F1387C, F1403C, F1404C, F1415C, F601C.
Identifiers: ClinVar variation 1705490 (VCV001705490.1), dbSNP rs1691039670, ClinGen allele CA349049947.

ClinVar aggregate classification (germline): Uncertain significance (1 of 4 stars; one submission).

Conditions:
Severe myoclonic epilepsy in infancy (DRVT). Also called: Epileptic encephalopathy, early infantile, 6 (Dravet syndrome); SEVERE MYOCLONIC EPILEPSY OF INFANCY; DEVELOPMENTAL AND EPILEPTIC ENCEPHALOPATHY 6A; Severe Myoclonic Epilepsy in Infancy (SMEI); Dravet syndrome. Identifiers: Orphanet 33069, MedGen C0751122, MONDO:0100135, OMIM 607208.

Submission:

3billion
Classification: Uncertain significance for Severe myoclonic epilepsy in infancy. Last evaluated: 2022-09-01. Review status: criteria provided, single submitter. Criteria: ACMG Guidelines, 2015. Collection method: clinical testing. Allele origin: germline. Affected: yes. Observed: 1 heterozygote.
Comment: The variant is not observed in the gnomAD v2.1.1 dataset. Missense changes are a common disease-causing mechanism. In silico tool predictions suggest damaging effect of the variant on gene or gene product (REVEL: 0.98; 3Cnet: 1.00). Different missense changes at the same codon (p.Phe1415Ile, p.Phe1415Leu, p.Phe1415Ser) have been reported to be associated with SCN1A-related disorder (ClinVar ID: VCV000856106 / PMID: 23773995 , 31139143). However the evidence of pathogenicity is insufficient at this time. Therefore, this variant is classified as uncertain significance according to the recommendation of ACMG/AMP guideline.

Literature cited by the submitters: PubMed 23773995; PubMed 31139143.